The following is an entry in ClinVar:

NM_000384.3(APOB):c.10963G>C (p.Glu3655Gln)

Gene: APOB (apolipoprotein B; minus strand). Cytogenetic location: 2p24.1.
Variant type: single nucleotide variant.
Coding change: c.10963G>C on transcript NM_000384.3 (MANE Select); coding-DNA position 10963, G replaced by C.
Protein change: p.Glu3655Gln; replaces glutamic acid 3655 with glutamine.
Molecular consequence: missense variant.
Genome position (GRCh38, 1-based): chr2:21,005,905, C>G on the plus strand (G>C on the coding strand, the complement: APOB is on the minus strand). VCF-style: chr2-21005905-C-G. GRCh37 (hg19) VCF-style: chr2-21228777-C-G.
Other names: short protein forms E3655Q.
Identifiers: ClinVar variation 4862495 (VCV004862495.1).
Genomic context (GRCh38, chr2:21,005,905, plus strand): 5'-TATTTTTGAGGAACCTTAGGTGTCCTTCTAAGGATCCTGCAATGTCAAGGTGTGCCTTTT[C>G]TTGGTCATTGGAAAGCTCGACCTGGCTCTGGAAAGACCCAGAATGAATCCGGACTTCATT-3'
Protein context (NP_000375.3, residues 3645-3665): QSQVELSNDQ[Glu3655Gln]KAHLDIAGSL

ClinVar aggregate classification (germline): Uncertain significance (1 of 4 stars; one submission).

Conditions:
Cardiovascular phenotype. Identifiers: MedGen CN230736.

gnomAD v4.1: 5 of 1,613,800 alleles (0.00031%); highest among the groups gnomAD compares: African/African-American, 0.0067%; no homozygotes.

Submission:

Ambry Genetics
Classification: Uncertain significance for Cardiovascular phenotype. Last evaluated: 2026-03-29. Review status: criteria provided, single submitter. Criteria: Ambry Variant Classification Scheme 2023. Collection method: clinical testing. Allele origin: germline.
Comment: The p.E3655Q variant (also known as c.10963G>C), located in coding exon 26 of the APOB gene, results from a G to C substitution at nucleotide position 10963. The glutamic acid at codon 3655 is replaced by glutamine, an amino acid with highly similar properties. This amino acid position is conserved. In addition, this alteration is predicted to be tolerated by in silico analysis. Based on the available evidence, the clinical significance of this variant remains unclear.